The following is an entry in ClinVar:

NM_014727.3(KMT2B):c.5573G>A (p.Arg1858His)

Gene: KMT2B (lysine methyltransferase 2B; plus strand). Cytogenetic location: 19q13.12.
Variant type: single nucleotide variant.
Coding change: c.5573G>A on transcript NM_014727.3 (MANE Select); coding-DNA position 5573, G replaced by A.
Protein change: p.Arg1858His; replaces arginine 1858 with histidine.
Molecular consequence: missense variant.
Genome position (GRCh38, 1-based): chr19:35,732,043, G>A. VCF-style: chr19-35732043-G-A. GRCh37 (hg19) VCF-style: chr19-36222944-G-A.
Other names: short protein forms R1858H.
Identifiers: ClinVar variation 4883632 (VCV004883632.2).

ClinVar aggregate classification (germline): Uncertain significance (1 of 4 stars; one submission).

Conditions:
Intellectual developmental disorder, autosomal dominant 68 (MRD68). Also called: MENTAL RETARDATION, AUTOSOMAL DOMINANT 68. Identifiers: MedGen C5677008, MONDO:0030969, OMIM 619934.

gnomAD v4.1: 14 of 1,612,272 alleles (0.00087%); highest among the groups gnomAD compares: African/African-American, 0.004%; no homozygotes.

Submission:

Dasa
Classification: Uncertain significance for Intellectual developmental disorder, autosomal dominant 68. Last evaluated: 2025-12-30. Review status: criteria provided, single submitter. Criteria: DASA Assertion Criteria. Collection method: clinical testing. Allele origin: germline.
Comment: NM_014727.3(KMT2B):c.5573G>A (p.Arg1858His) is a missense variant that results in the substitution of arginine with histidine. This variant is rare in population databases. The currently available literature and clinical evidence are not sufficient to establish a definitive association between this variant and the reported condition. Therefore, this variant is classified as a variant of uncertain significance.